The following is an entry in ClinVar:

NM_001363711.2(DUOX2):c.1461_1462delinsCA (p.Gly488Arg)

Gene: DUOX2 (dual oxidase 2; minus strand). Cytogenetic location: 15q21.1.
Variant type: Indel.
Coding change: c.1461_1462delinsCA on transcript NM_001363711.2 (MANE Select); coding-DNA positions 1461 to 1462, GG replaced by CA.
Protein change: p.Gly488Arg; replaces glycine 488 with arginine.
Molecular consequence: missense variant.
Genome position (GRCh38, 1-based): chr15:45,108,159-45,108,160, CC replaced by TG on the plus strand (GG replaced by CA on the coding strand, the reverse complement: DUOX2 is on the minus strand). VCF-style: chr15-45108159-CC-TG. GRCh37 (hg19) VCF-style: chr15-45400357-CC-TG.
Other names: c.1461_1462delinsCA, p.Gly488Arg (NM_014080.5); short protein forms G488R.
Identifiers: ClinVar variation 1415646 (VCV001415646.9), dbSNP rs2141153735, ClinGen allele CA2573150886.
Genomic context (GRCh38, chr15:45,108,159, plus strand): 5'-ACTGGTCGAGGACAATGGCACTGAACAGGGGTCCAGGGTCCCCATGGCTCTCCAGGAGCC[CC>TG]CCAAGGAGCAGCTCTAGCTGGGATAGGTCCTGGTTGTACAGGGCAGCTGTGGCCTCCAGC-3'
Protein context (NP_001350640.1, residues 478-498): DLSQLELLLG[Gly488Arg]LLESHGDPGP

ClinVar aggregate classification (germline): Pathogenic (1 of 4 stars; one submission).

Submission:

Labcorp Genetics (formerly Invitae), Labcorp
Classification: Pathogenic. Last evaluated: 2025-11-19. Review status: criteria provided, single submitter. Criteria: Invitae Variant Classification Sherloc (09022015). Collection method: clinical testing. Allele origin: germline.
Comment: This sequence change replaces glycine, which is neutral and non-polar, with arginine, which is basic and polar, at codon 488 of the DUOX2 protein (p.Gly488Arg). Information on the frequency of this variant in the gnomAD database is not available, as this variant may be reported differently in the database. This missense change has been observed in individuals with congenital hypothyroidism (PMID: 21900383, 23457309, 25248169). It has also been observed to segregate with disease in related individuals. ClinVar contains an entry for this variant (Variation ID: 1415646). Algorithms developed to predict the effect of variants on gene product structure and function are not available or were not evaluated for this variant. Experimental studies have shown that this missense change affects DUOX2 function (PMID: 21900383, 25248169). For these reasons, this variant has been classified as Pathogenic.

Literature cited by the submitters: PubMed 21900383; PubMed 23457309; PubMed 25248169.